The following is an entry in ClinVar:

NM_015450.3(POT1):c.109C>A (p.Leu37Ile)

Gene: POT1 (protection of telomeres 1; minus strand). Cytogenetic location: 7q31.33.
Variant type: single nucleotide variant.
Coding change: c.109C>A on transcript NM_015450.3 (MANE Select); coding-DNA position 109, C replaced by A.
Protein change: p.Leu37Ile; replaces leucine 37 with isoleucine.
Molecular consequence: missense variant. On other transcripts: 5 prime UTR variant (1), non-coding transcript variant (3).
Genome position (GRCh38, 1-based): chr7:124,892,281, G>T on the plus strand (C>A on the coding strand, the complement: POT1 is on the minus strand). VCF-style: chr7-124892281-G-T. GRCh37 (hg19) VCF-style: chr7-124532335-G-T.
Other names: c.-154C>A (NM_001042594.2); short protein forms L37I.
Identifiers: ClinVar variation 2450536 (VCV002450536.2), dbSNP rs2485562499, ClinGen allele CA369065997.

ClinVar aggregate classification (germline): Uncertain significance (1 of 4 stars; one submission).

Conditions:
Hereditary cancer-predisposing syndrome. Also called: Neoplastic Syndromes, Hereditary; Tumor predisposition; Hereditary neoplastic syndrome; Hereditary Cancer Syndrome. Identifiers: Orphanet 140162, MedGen C0027672, MeSH D009386, MONDO:0015356.

Submission:

Ambry Genetics
Classification: Uncertain significance for Hereditary cancer-predisposing syndrome. Last evaluated: 2022-12-07. Review status: criteria provided, single submitter. Criteria: Ambry Variant Classification Scheme 2023. Collection method: clinical testing. Allele origin: germline.
Comment: The p.L37I variant (also known as c.109C>A), located in coding exon 2 of the POT1 gene, results from a C to A substitution at nucleotide position 109. The leucine at codon 37 is replaced by isoleucine, an amino acid with highly similar properties. This amino acid position is conserved. In addition, this alteration is predicted to be tolerated by in silico analysis. Since supporting evidence is limited at this time, the clinical significance of this alteration remains unclear.